The following is an entry in ClinVar:

ClinVar aggregate classification (germline): other (0 of 4 stars; one submission).

Conditions:
Familial colorectal cancer. Identifiers: MedGen CN280943, MONDO:0023113. Disease mechanism: loss of function.

Submission:

Systems Biology Platform Zhejiang California International NanoSystems Institute
Classification: other for Familial colorectal cancer. Review status: no assertion criteria provided. Collection method: not provided. Allele origin: unknown.
ClinVar note: Converted during submission from cancer to other.

NM_000038.6(APC):c.834+6208C>G

Gene: APC (APC regulator of WNT signaling pathway; plus strand). Cytogenetic location: 5q22.2.
Variant type: single nucleotide variant.
Coding change: c.834+6208C>G on transcript NM_000038.6 (MANE Select); 6208 bases into the intron after coding-DNA position 834, C replaced by G.
Molecular consequence: intron variant.
Genome position (GRCh38, 1-based): chr5:112,807,591, C>G. VCF-style: chr5-112807591-C-G. GRCh37 (hg19) VCF-style: chr5-112143288-C-G.
Other names: c.834+6208C>G (NM_001354895.2, NM_001127510.3, NM_001354896.2 and 1 more transcripts); c.864+6208C>G (NM_001354897.2, NM_001354902.2); c.780+6208C>G (NM_001127511.3); c.759+6208C>G (NM_001354898.2, NM_001354904.2); c.-201-2535C>G (NM_001354906.2); c.750+6208C>G (NM_001354899.2); c.657+6208C>G (NM_001354900.2, NM_001354901.2, NM_001354905.2).
Identifiers: ClinVar variation 82532 (VCV000082532.2), dbSNP rs76825759, ClinGen allele CA014982.